The following is an entry in ClinVar:

NM_001256789.3(CACNA1F):c.5827G>A (p.Asp1943Asn)

Gene: CACNA1F (calcium voltage-gated channel subunit alpha1 F; minus strand). Cytogenetic location: Xp11.23.
Variant type: single nucleotide variant.
Coding change: c.5827G>A on transcript NM_001256789.3 (MANE Select); coding-DNA position 5827, G replaced by A.
Protein change: p.Asp1943Asn; replaces aspartic acid 1943 with asparagine.
Molecular consequence: missense variant.
Genome position (GRCh38, 1-based): chrX:49,205,211, C>T on the plus strand (G>A on the coding strand, the complement: CACNA1F is on the minus strand). VCF-style: chrX-49205211-C-T. GRCh37 (hg19) VCF-style: chrX-49061671-C-T.
Other names: c.5665G>A, p.Asp1889Asn (NM_001256790.3); c.5860G>A, p.Asp1954Asn (NM_005183.4); c.5860G>A (NM_005183.3); short protein forms D1954N, D1889N, D1943N.
Identifiers: ClinVar variation 197594 (VCV000197594.16), dbSNP rs374663693, ClinGen allele CA245843.

ClinVar aggregate classification (germline): Conflicting classifications of pathogenicity. Review status: criteria provided, conflicting classifications (1 of 4 stars). 4 submissions from 4 submitters: Uncertain significance (1); Likely benign (3). Last evaluated 2025-08-17.

Conditions:
CACNA1F-related disorder. Also called: CACNA1F-related condition.

Allele frequency attached by ClinVar (database versions not stated): gnomAD 0.00006 and 0.00009; ESP Exome Variant Server 0.00009; gnomAD exomes 0.00013 and 0.00032; TOPMed 0.00020; ExAC 0.00032.

Submissions (4):

Labcorp Genetics (formerly Invitae), Labcorp
Classification: Likely benign. Last evaluated: 2025-08-17. Review status: criteria provided, single submitter. Criteria: Invitae Variant Classification Sherloc (09022015). Collection method: clinical testing. Allele origin: germline.

PreventionGenetics, part of Exact Sciences
Classification: Likely benign for CACNA1F-related condition. Last evaluated: 2025-03-05. Review status: criteria provided, single submitter. Criteria: ACMG Guidelines, 2015. Collection method: clinical testing. Allele origin: germline.
Comment: This variant is classified as likely benign based on ACMG/AMP sequence variant interpretation guidelines (Richards et al. 2015 PMID: 25741868, with internal and published modifications).

Blueprint Genetics
Classification: Likely benign. Last evaluated: 2023-07-07. Review status: criteria provided, single submitter. Criteria: ACMG Guidelines, 2015. Collection method: clinical testing. Allele origin: germline.

Eurofins Ntd Llc (ga)
Classification: Uncertain significance. Last evaluated: 2014-10-01. Review status: criteria provided, single submitter. Criteria: EGL Classification Definitions 2015. Collection method: clinical testing. Allele origin: germline. Observed: 1 variant allele, 1 hemizygote.